The following is an entry in ClinVar:

NM_001077525.3(MTMR14):c.1196A>C (p.His399Pro)

Gene: MTMR14 (myotubularin related protein 14; plus strand). Cytogenetic location: 3p25.3.
Variant type: single nucleotide variant.
Coding change: c.1196A>C on transcript NM_001077525.3 (MANE Select); coding-DNA position 1196, A replaced by C.
Protein change: p.His399Pro; replaces histidine 399 with proline.
Molecular consequence: missense variant. On other transcripts: non-coding transcript variant (9).
Genome position (GRCh38, 1-based): chr3:9,687,852, A>C. VCF-style: chr3-9687852-A-C. GRCh37 (hg19) VCF-style: chr3-9729536-A-C.
Other names: c.1196A>C, p.His399Pro (NM_001077526.3, NM_022485.5); c.1265A>C, p.His422Pro (NM_001400518.1, NM_001400521.1); c.1193A>C, p.His398Pro (NM_001400519.1, NM_001400522.1); c.1121A>C, p.His374Pro (NM_001400520.1, NM_001400523.1, NM_001400528.1); c.950A>C, p.His317Pro (NM_001400524.1, NM_001400527.1, NM_001400530.1); c.914A>C, p.His305Pro (NM_001400525.1, NM_001400529.1, NM_001400532.1); c.1190A>C, p.His397Pro (NM_001400526.1); c.554A>C, p.His185Pro (NM_001400540.1, NM_001400541.1, NM_001400542.1 and 7 more transcripts); and 5 more; short protein forms H160P, H280P, H305P, H317P, H398P, H316P, H397P, H112P.
Identifiers: ClinVar variation 3685769 (VCV003685769.2).

ClinVar aggregate classification (germline): Uncertain significance (1 of 4 stars; one submission).

Submission:

Labcorp Genetics (formerly Invitae), Labcorp
Classification: Uncertain significance. Last evaluated: 2024-09-10. Review status: criteria provided, single submitter. Criteria: Invitae Variant Classification Sherloc (09022015). Collection method: clinical testing. Allele origin: germline.
Comment: This sequence change replaces histidine, which is basic and polar, with proline, which is neutral and non-polar, at codon 399 of the MTMR14 protein (p.His399Pro). This variant is not present in population databases (gnomAD no frequency). This variant has not been reported in the literature in individuals affected with MTMR14-related conditions. Invitae Evidence Modeling of protein sequence and biophysical properties (such as structural, functional, and spatial information, amino acid conservation, physicochemical variation, residue mobility, and thermodynamic stability) indicates that this missense variant is not expected to disrupt MTMR14 protein function with a negative predictive value of 80%. In summary, the available evidence is currently insufficient to determine the role of this variant in disease. Therefore, it has been classified as a Variant of Uncertain Significance.